The following is an entry in ClinVar:

NM_139276.3(STAT3):c.*1517G>A

Gene: STAT3 (signal transducer and activator of transcription 3; minus strand). Cytogenetic location: 17q21.2.
Variant type: single nucleotide variant.
Coding change: c.*1517G>A on transcript NM_139276.3 (MANE Select); 1517 bases downstream of the stop codon, G replaced by A.
Molecular consequence: 3 prime UTR variant.
Genome position (GRCh38, 1-based): chr17:42,314,228, C>T on the plus strand (G>A on the coding strand, the complement: STAT3 is on the minus strand). VCF-style: chr17-42314228-C-T. GRCh37 (hg19) VCF-style: chr17-40466246-C-T.
Other names: c.*1517G>A (NM_001369512.1, NM_001369513.1, NM_001369514.1 and 10 more transcripts); c.*1611G>A (NM_001369517.1, NM_001369518.1, NM_001369519.1 and 4 more transcripts).
Identifiers: ClinVar variation 323219 (VCV000323219.5), dbSNP rs75454844, ClinGen allele CA10639633.

ClinVar aggregate classification (germline): Benign (1 of 4 stars; one submission).

Conditions:
Hyper-IgE recurrent infection syndrome 1, autosomal dominant. Also called: HYPER-IgE SYNDROME 1, AUTOSOMAL DOMINANT, WITH RECURRENT INFECTIONS; JOB SYNDROME; Job's Syndrome; STAT3 Hyper IgE Syndrome; Hyper-IgE recurrent infection syndrome 1. Identifiers: Orphanet 2314, MedGen C2936739, MONDO:0007818, OMIM 147060.

Allele frequency attached by ClinVar (database versions not stated): gnomAD exomes 0.00349; 1000 Genomes Project 0.01737; 1000 Genomes Project 30x 0.01811; gnomAD 0.01817 and 0.01966; TOPMed 0.02049.
gnomAD v4.1: 3,038 of 232,954 alleles (1.3%); highest among the groups gnomAD compares: African/African-American, 6.3%; 94 homozygotes.

Submission:

Illumina Laboratory Services, Illumina
Classification: Benign for Hyper-IgE recurrent infection syndrome 1, autosomal dominant. Last evaluated: 2018-01-12. Review status: criteria provided, single submitter. Criteria: ICSL Variant Classification Criteria 13 December 2019. Collection method: clinical testing. Allele origin: germline.
Comment: This variant was observed in the ICSL laboratory as part of a predisposition screen in an ostensibly healthy population. It had not been previously curated by ICSL or reported in the Human Gene Mutation Database (HGMD: prior to June 1st, 2018), and was therefore a candidate for classification through an automated scoring system. Utilizing variant allele frequency, disease prevalence and penetrance estimates, and inheritance mode, an automated score was calculated to assess if this variant is too frequent to cause the disease. Based on the score and internal cut-off values, a variant classified as benign is not then subjected to further curation. The score for this variant resulted in a classification of benign for this disease.